The following is an entry in ClinVar:

NM_024529.5(CDC73):c.205C>G (p.Leu69Val)

Gene: CDC73 (cell division cycle 73; plus strand). Cytogenetic location: 1q31.2.
Variant type: single nucleotide variant.
Coding change: c.205C>G on transcript NM_024529.5 (MANE Select); coding-DNA position 205, C replaced by G.
Protein change: p.Leu69Val; replaces leucine 69 with valine.
Molecular consequence: missense variant.
Genome position (GRCh38, 1-based): chr1:193,125,185, C>G. VCF-style: chr1-193125185-C-G. GRCh37 (hg19) VCF-style: chr1-193094315-C-G.
Other names: short protein forms L69V.
Identifiers: ClinVar variation 1439791 (VCV001439791.6), dbSNP rs1675543142, ClinGen allele CA343973192.
Genomic context (GRCh38, chr1:193,125,185, plus strand): 5'-GGCCAACCCAGAGAGTACTACACATTGGATTCCATTTTATTTCTACTTAATAACGTGCAC[C>G]TTTCTCATCCTGTTTATGTCCGACGTGCAGCTGTAAGTAGAATTCATTTTACTTATCTAT-3'
Protein context (NP_078805.3, residues 59-79): SILFLLNNVH[Leu69Val]SHPVYVRRAA

ClinVar aggregate classification (germline): Uncertain significance (1 of 4 stars; one submission).

Conditions:
Parathyroid carcinoma (PRTC). Also called: CDC73-Related Parathyroid Carcinoma; Parathyroid gland carcinoma. Identifiers: Orphanet 143, MedGen C0687150, MONDO:0012004, OMIM 608266, HP:0006780.

Submission:

Labcorp Genetics (formerly Invitae), Labcorp
Classification: Uncertain significance for Parathyroid carcinoma. Last evaluated: 2022-07-12. Review status: criteria provided, single submitter. Criteria: Invitae Variant Classification Sherloc (09022015). Collection method: clinical testing. Allele origin: germline.
Comment: This variant has not been reported in the literature in individuals affected with CDC73-related conditions. In summary, the available evidence is currently insufficient to determine the role of this variant in disease. Therefore, it has been classified as a Variant of Uncertain Significance. Algorithms developed to predict the effect of missense changes on protein structure and function are either unavailable or do not agree on the potential impact of this missense change (SIFT: "Tolerated"; PolyPhen-2: "Possibly Damaging"; Align-GVGD: "Class C0"). ClinVar contains an entry for this variant (Variation ID: 1439791). This variant is not present in population databases (gnomAD no frequency). This sequence change replaces leucine, which is neutral and non-polar, with valine, which is neutral and non-polar, at codon 69 of the CDC73 protein (p.Leu69Val).